The following is an entry in ClinVar:

ClinVar aggregate classification (germline): Uncertain significance (1 of 4 stars; one submission).

Conditions:
Cardiovascular phenotype. Identifiers: MedGen CN230736.

gnomAD v4.1: 1 of 1,604,494 alleles (0.000062%); highest among the groups gnomAD compares: Non-Finnish European, 0.000085%; no homozygotes.

Submission:

Molecular Diagnostic Laboratory for Inherited Cardiovascular Disease, Montreal Heart Institute
Classification: Uncertain significance for Cardiovascular phenotype. Last evaluated: 2025-04-09. Review status: criteria provided, single submitter. Criteria: ACMG Guidelines, 2015. Collection method: clinical testing. Allele origin: germline. Affected: yes.
Comment: PM2

NM_002667.5(PLN):c.*9T>G

Genes: CEP85L (centrosomal protein 85 like; minus strand), PLN (phospholamban; plus strand). Cytogenetic location: 6q22.31.
Variant type: single nucleotide variant.
Coding change: c.*9T>G on transcript NM_002667.5 (MANE Select); 9 bases downstream of the stop codon, T replaced by G.
Molecular consequence: 3 prime UTR variant. On other transcripts: intron variant (3).
Genome position (GRCh38, 1-based): chr6:118,559,089, T>G. VCF-style: chr6-118559089-T-G. GRCh37 (hg19) VCF-style: chr6-118880252-T-G.
Other names: c.1029+6440A>C (NM_001178035.2); c.1020+6440A>C (NM_001042475.3, NM_206921.3).
Identifiers: ClinVar variation 3895155 (VCV003895155.1).